The following is an entry in ClinVar:

ClinVar aggregate classification (germline): Uncertain significance (1 of 4 stars; one submission).

Conditions:
Hereditary spastic paraplegia 11. Also called: Spastic Paraplegia 11; SPASTIC PARAPLEGIA, AUTOSOMAL RECESSIVE, COMPLICATED, WITH THIN CORPUS CALLOSUM; SPASTIC PARAPLEGIA, AUTOSOMAL RECESSIVE, WITH MENTAL IMPAIRMENT AND THIN CORPUS CALLOSUM; Spastic paraplegia, mental retardation and thin corpus callosum; Nakamura Osame syndrome; Autosomal recessive hereditary spastic paraplegia, mental impairment, and thin corpus callosum. Identifiers: Orphanet 2822, MedGen C1858479, MONDO:0011445, OMIM 604360.

Allele frequency attached by ClinVar (database versions not stated): ExAC 0.00003.
gnomAD v4.1: 6 of 1,613,962 alleles (0.00037%); highest among the groups gnomAD compares: Admixed American, 0.0083%; no homozygotes.

Submission:

Labcorp Genetics (formerly Invitae), Labcorp
Classification: Uncertain significance for Hereditary spastic paraplegia 11. Last evaluated: 2024-11-11. Review status: criteria provided, single submitter. Criteria: Invitae Variant Classification Sherloc (09022015). Collection method: clinical testing. Allele origin: germline.
Comment: This sequence change replaces histidine, which is basic and polar, with tyrosine, which is neutral and polar, at codon 2131 of the SPG11 protein (p.His2131Tyr). This variant is present in population databases (rs775209503, gnomAD 0.01%). This variant has not been reported in the literature in individuals affected with SPG11-related conditions. ClinVar contains an entry for this variant (Variation ID: 2199808). Invitae Evidence Modeling of protein sequence and biophysical properties (such as structural, functional, and spatial information, amino acid conservation, physicochemical variation, residue mobility, and thermodynamic stability) indicates that this missense variant is expected to disrupt SPG11 protein function with a positive predictive value of 80%. In summary, the available evidence is currently insufficient to determine the role of this variant in disease. Therefore, it has been classified as a Variant of Uncertain Significance.

NM_025137.4(SPG11):c.6391C>T (p.His2131Tyr)

Gene: SPG11 (SPG11 vesicle trafficking associated, spatacsin; minus strand). Cytogenetic location: 15q21.1.
Variant type: single nucleotide variant.
Coding change: c.6391C>T on transcript NM_025137.4 (MANE Select); coding-DNA position 6391, C replaced by T.
Protein change: p.His2131Tyr; replaces histidine 2131 with tyrosine.
Molecular consequence: missense variant.
Genome position (GRCh38, 1-based): chr15:44,570,611, G>A on the plus strand (C>T on the coding strand, the complement: SPG11 is on the minus strand). VCF-style: chr15-44570611-G-A. GRCh37 (hg19) VCF-style: chr15-44862809-G-A.
Other names: c.6052C>T, p.His2018Tyr (NM_001160227.2); c.6247C>T, p.His2083Tyr (NM_001411132.1); short protein forms H2083Y, H2018Y, H2131Y.
Identifiers: ClinVar variation 2199808 (VCV002199808.3), dbSNP rs775209503, ClinGen allele CA7534143.